The following is an entry in ClinVar:

ClinVar aggregate classification (germline): Uncertain significance (1 of 4 stars; one submission).

Conditions:
Menkes kinky-hair syndrome (MNK). Also called: Copper transport disease; Menkes Disease; Classic Menkes Disease. Identifiers: Orphanet 565, MedGen C0022716, MONDO:0010651, OMIM 309400.
Cutis laxa, X-linked (OHS). Also called: EDS IX; Occipital horn syndrome. Identifiers: Orphanet 198, MedGen C0268353, MONDO:0010572, OMIM 304150.
X-linked distal spinal muscular atrophy type 3. Also called: ATP7A-Related Distal Motor Neuropathy; SPINAL MUSCULAR ATROPHY, DISTAL, X-LINKED RECESSIVE; NEURONOPATHY, DISTAL HEREDITARY MOTOR, X-LINKED; NEUROPATHY, DISTAL HEREDITARY MOTOR, X-LINKED. Identifiers: Orphanet 139557, MedGen C1845359, MONDO:0010338, OMIM 300489.

Submission:

Labcorp Genetics (formerly Invitae), Labcorp
Classification: Uncertain significance for X-linked distal spinal muscular atrophy type 3; Cutis laxa, X-linked; Menkes kinky-hair syndrome. Last evaluated: 2022-06-19. Review status: criteria provided, single submitter. Criteria: Invitae Variant Classification Sherloc (09022015). Collection method: clinical testing. Allele origin: germline.
Comment: This variant has not been reported in the literature in individuals affected with ATP7A-related conditions. This sequence change replaces glycine, which is neutral and non-polar, with serine, which is neutral and polar, at codon 112 of the ATP7A protein (p.Gly112Ser). This variant is not present in population databases (gnomAD no frequency). Advanced modeling of protein sequence and biophysical properties (such as structural, functional, and spatial information, amino acid conservation, physicochemical variation, residue mobility, and thermodynamic stability) performed at Invitae indicates that this missense variant is not expected to disrupt ATP7A protein function. In summary, the available evidence is currently insufficient to determine the role of this variant in disease. Therefore, it has been classified as a Variant of Uncertain Significance.

NM_000052.7(ATP7A):c.334G>A (p.Gly112Ser)

Gene: ATP7A (ATPase copper transporting alpha; plus strand). Cytogenetic location: Xq21.1.
Variant type: single nucleotide variant.
Coding change: c.334G>A on transcript NM_000052.7 (MANE Select); coding-DNA position 334, G replaced by A.
Protein change: p.Gly112Ser; replaces glycine 112 with serine.
Molecular consequence: missense variant.
Genome position (GRCh38, 1-based): chrX:77,988,455, G>A. VCF-style: chrX-77988455-G-A. GRCh37 (hg19) VCF-style: chrX-77243951-G-A.
Other names: c.334G>A, p.Gly112Ser (NM_001282224.2); short protein forms G112S.
Identifiers: ClinVar variation 2008272 (VCV002008272.4), dbSNP rs2522289591, ClinGen allele CA413599487.